The following is an entry in ClinVar:

NM_018263.6(ASXL2):c.1644G>T (p.Glu548Asp)

Gene: ASXL2 (ASXL transcriptional regulator 2; minus strand). Cytogenetic location: 2p23.3.
Variant type: single nucleotide variant.
Coding change: c.1644G>T on transcript NM_018263.6 (MANE Select); coding-DNA position 1644, G replaced by T.
Protein change: p.Glu548Asp; replaces glutamic acid 548 with aspartic acid.
Molecular consequence: missense variant.
Genome position (GRCh38, 1-based): chr2:25,749,912, C>A on the plus strand (G>T on the coding strand, the complement: ASXL2 is on the minus strand). VCF-style: chr2-25749912-C-A. GRCh37 (hg19) VCF-style: chr2-25972781-C-A.
Other names: c.1470G>T, p.Glu490Asp (NM_001369346.1); c.864G>T, p.Glu288Asp (NM_001369347.1); short protein forms E288D, E490D, E548D.
Identifiers: ClinVar variation 1506161 (VCV001506161.8), dbSNP rs1474579067, ClinGen allele CA346074945.

ClinVar aggregate classification (germline): Uncertain significance (1 of 4 stars; one submission).

Submission:

Labcorp Genetics (formerly Invitae), Labcorp
Classification: Uncertain significance. Last evaluated: 2022-03-18. Review status: criteria provided, single submitter. Criteria: Invitae Variant Classification Sherloc (09022015). Collection method: clinical testing. Allele origin: germline.
Comment: This variant is not present in population databases (gnomAD no frequency). This sequence change replaces glutamic acid, which is acidic and polar, with aspartic acid, which is acidic and polar, at codon 548 of the ASXL2 protein (p.Glu548Asp). This variant has not been reported in the literature in individuals affected with ASXL2-related conditions. In summary, the available evidence is currently insufficient to determine the role of this variant in disease. Therefore, it has been classified as a Variant of Uncertain Significance. Algorithms developed to predict the effect of missense changes on protein structure and function output the following: SIFT: "Tolerated"; PolyPhen-2: "Not Available"; Align-GVGD: "Class C0". The aspartic acid amino acid residue is found in multiple mammalian species, which suggests that this missense change does not adversely affect protein function.